The following is an entry in ClinVar:

ClinVar aggregate classification (germline): Uncertain significance. Review status: criteria provided, multiple submitters, no conflicts (2 of 4 stars). 3 submissions from 3 submitters: Uncertain significance (3). Last evaluated 2025-12-01.

Allele frequency attached by ClinVar (database versions not stated): gnomAD exomes below 0.00001; gnomAD 0.00001.
gnomAD v4.1: 7 of 1,612,334 alleles (0.00043%); highest among the groups gnomAD compares: Middle Eastern, 0.017%; no homozygotes.

Submissions (3):

CeGaT Center for Human Genetics Tuebingen
Classification: Uncertain significance. Last evaluated: 2025-12-01. Review status: criteria provided, single submitter. Criteria: CeGaT Center For Human Genetics Tuebingen Variant Classification Criteria Version 2. Collection method: clinical testing. Allele origin: germline. Affected: yes. Observed: 1 variant allele.
Comment: IMPDH1: PM2, PVS1:Supporting

Labcorp Genetics (formerly Invitae), Labcorp
Classification: Uncertain significance. Last evaluated: 2022-04-15. Review status: criteria provided, single submitter. Criteria: Invitae Variant Classification Sherloc (09022015). Collection method: clinical testing. Allele origin: germline.
Comment: Variants that disrupt the consensus splice site are a relatively common cause of aberrant splicing (PMID: 17576681, 9536098). Algorithms developed to predict the effect of sequence changes on RNA splicing suggest that this variant may disrupt the consensus splice site. In summary, the available evidence is currently insufficient to determine the role of this variant in disease. Therefore, it has been classified as a Variant of Uncertain Significance. ClinVar contains an entry for this variant (Variation ID: 286371). This variant has not been reported in the literature in individuals affected with IMPDH1-related conditions. This variant is present in population databases (no rsID available, gnomAD 0.0009%). This sequence change falls in intron 16 of the IMPDH1 gene. It does not directly change the encoded amino acid sequence of the IMPDH1 protein. It affects a nucleotide within the consensus splice site.

Eurofins Ntd Llc (ga)
Classification: Uncertain significance. Last evaluated: 2016-04-18. Review status: criteria provided, single submitter. Criteria: EGL Classification Definitions 2015. Collection method: clinical testing. Allele origin: germline. Observed: 1 variant allele, 1 heterozygote.

Literature cited by the submitters: PubMed 17576681 (cited by Labcorp Genetics (formerly Invitae), Labcorp); PubMed 9536098 (cited by Labcorp Genetics (formerly Invitae), Labcorp).

NM_000883.4(IMPDH1):c.1778+1G>A

Gene: IMPDH1 (inosine monophosphate dehydrogenase 1; minus strand). Cytogenetic location: 7q32.1.
Variant type: single nucleotide variant.
Coding change: c.1778+1G>A on transcript NM_000883.4 (MANE Select); the canonical splice donor site of the intron after coding-DNA position 1778, G replaced by A.
Molecular consequence: splice donor variant.
Genome position (GRCh38, 1-based): chr7:128,394,277, C>T on the plus strand (G>A on the coding strand, the complement: IMPDH1 is on the minus strand). VCF-style: chr7-128394277-C-T. GRCh37 (hg19) VCF-style: chr7-128034331-C-T.
Other names: c.1571+1G>A (NM_001304521.2); c.1670+1G>A (NM_183243.3); c.1748+1G>A (NM_001102605.2); c.1679+1G>A (NM_001142576.2); c.1448+1G>A (NM_001142575.2); c.1508+1G>A (NM_001142574.2); c.1523+1G>A (NM_001142573.2).
Identifiers: ClinVar variation 286371 (VCV000286371.14), dbSNP rs772619634, ClinGen allele CA10605442.